The following is an entry in ClinVar:

NM_001801.3(CDO1):c.171-3dup

Gene: CDO1 (cysteine dioxygenase type 1; minus strand). Cytogenetic location: 5q22.3.
Variant type: Duplication.
Coding change: c.171-3dup on transcript NM_001801.3 (MANE Select); 3 bases into the intron before coding-DNA position 171, one base duplicated (T; older notation c.171-3dupT).
Molecular consequence: intron variant.
Genome position (GRCh38, 1-based): chr5:115,813,261, A duplicated on the plus strand (T on the coding strand, the reverse complement: CDO1 is on the minus strand); the first of 9 consecutive A bases (chr5:115,813,261-115,813,269); duplicating any one gives the same sequence. VCF-style (leftmost placement, unchanged base first): chr5-115813260-T-TA. GRCh37 (hg19) VCF-style: chr5-115148957-T-TA.
Other names: c.-46-3dup (NM_001323567.2); c.171-3dup (NM_001323566.2); c.228-3dup (NM_001323565.2).
Identifiers: ClinVar variation 3037994 (VCV003037994.2), dbSNP rs571899483, ClinGen allele CA3375400.

ClinVar aggregate classification (germline): Likely benign (0 of 4 stars; one submission).

Conditions:
CDO1-related disorder. Also called: CDO1-related condition.

Submission:

PreventionGenetics, part of Exact Sciences
Classification: Likely benign for CDO1-related condition. Last evaluated: 2021-04-19. Review status: no assertion criteria provided. Collection method: clinical testing. Allele origin: germline.
Comment: This variant is classified as likely benign based on ACMG/AMP sequence variant interpretation guidelines (Richards et al. 2015 PMID: 25741868, with internal and published modifications).